The following is an entry in ClinVar:

ClinVar aggregate classification (germline): Benign. Review status: criteria provided, multiple submitters, no conflicts (2 of 4 stars). 2 submissions from 2 submitters: Benign (2). Last evaluated 2018-06-16.

Allele frequency attached by ClinVar (database versions not stated): gnomAD exomes 0.46842; gnomAD 0.55914; TOPMed 0.59528; 1000 Genomes Project 0.61921; 1000 Genomes Project 30x 0.62477.
gnomAD v4.1: 511,466 of 1,056,472 alleles (48%); highest among the groups gnomAD compares: African/African-American, 84%; 130,186 homozygotes.

Submissions (2):

GeneDx
Classification: Benign. Last evaluated: 2018-06-16. Review status: criteria provided, single submitter. Criteria: GeneDx Variant Classification (06012015). Collection method: clinical testing. Allele origin: germline. Affected: yes.
Comment: This variant is considered likely benign or benign based on one or more of the following criteria: it is a conservative change, it occurs at a poorly conserved position in the protein, it is predicted to be benign by multiple in silico algorithms, and/or has population frequency not consistent with disease.

Breakthrough Genomics
Classification: Benign. Review status: criteria provided, single submitter. Criteria: ACMG Guidelines, 2015. Collection method: not provided. Allele origin: germline. Inheritance: Autosomal dominant inheritance. Affected: yes.

NM_133433.4(NIPBL):c.4921-59G>A

Gene: NIPBL (NIPBL cohesin loading factor; plus strand). Cytogenetic location: 5p13.2.
Variant type: single nucleotide variant.
Coding change: c.4921-59G>A on transcript NM_133433.4 (MANE Select); 59 bases into the intron before coding-DNA position 4921, G replaced by A.
Molecular consequence: intron variant.
Genome position (GRCh38, 1-based): chr5:37,019,252, G>A. VCF-style: chr5-37019252-G-A. GRCh37 (hg19) VCF-style: chr5-37019354-G-A.
Other names: c.4921-59G>A (NM_015384.5).
Identifiers: ClinVar variation 673934 (VCV000673934.2), dbSNP rs300060, ClinGen allele CA15367296.
Genomic context (GRCh38, chr5:37,019,252, plus strand): 5'-CTGTGGTTGTATTTTCATTTTTAATATCAGTTTTTCCTTCAGATTTGTGTTTACAATTAG[G>A]TGATTTATTAAAGCACACCAGTAATATCTTTTTTGTTCTTATTTGGTTTATTCTATAGGT-3'